The following is an entry in ClinVar:

ClinVar aggregate classification (germline): Uncertain significance (1 of 4 stars; one submission).

Allele frequency attached by ClinVar (database versions not stated): gnomAD 0.00001; ESP Exome Variant Server 0.00008; TOPMed 0.00001; ExAC 0.00001.
gnomAD v4.1: 5 of 1,614,042 alleles (0.00031%); highest among the groups gnomAD compares: Non-Finnish European, 0.00042%; no homozygotes.

Submission:

GeneDx
Classification: Uncertain significance. Last evaluated: 2021-11-12. Review status: criteria provided, single submitter. Criteria: GeneDx Variant Classification Process June 2021. Collection method: clinical testing. Allele origin: germline. Affected: yes.
Comment: Not observed at significant frequency in large population cohorts (Lek et al., 2016); In silico analysis supports that this missense variant has a deleterious effect on protein structure/function; Has not been previously published as pathogenic or benign to our knowledge

NM_004320.6(ATP2A1):c.2435C>T (p.Pro812Leu)

Gene: ATP2A1 (ATPase sarcoplasmic/endoplasmic reticulum Ca2+ transporting 1; plus strand). Cytogenetic location: 16p11.2.
Variant type: single nucleotide variant.
Coding change: c.2435C>T on transcript NM_004320.6 (MANE Select); coding-DNA position 2435, C replaced by T.
Protein change: p.Pro812Leu; replaces proline 812 with leucine.
Molecular consequence: missense variant.
Genome position (GRCh38, 1-based): chr16:28,902,297, C>T. VCF-style: chr16-28902297-C-T. GRCh37 (hg19) VCF-style: chr16-28913618-C-T.
Other names: c.2060C>T, p.Pro687Leu (NM_001286075.2); c.2435C>T, p.Pro812Leu (NM_173201.5); short protein forms P812L, P687L.
Identifiers: ClinVar variation 423319 (VCV000423319.4), dbSNP rs369691735, ClinGen allele CA7987258.